The following is an entry in ClinVar:

NM_173660.5(DOK7):c.257C>A (p.Ala86Asp)

Gene: DOK7 (docking protein 7; plus strand). Cytogenetic location: 4p16.3.
Variant type: single nucleotide variant.
Coding change: c.257C>A on transcript NM_173660.5 (MANE Select); coding-DNA position 257, C replaced by A.
Protein change: p.Ala86Asp; replaces alanine 86 with aspartic acid.
Molecular consequence: missense variant. On other transcripts: intron variant (1).
Genome position (GRCh38, 1-based): chr4:3,473,562, C>A. VCF-style: chr4-3473562-C-A. GRCh37 (hg19) VCF-style: chr4-3475289-C-A.
Other names: c.257C>A, p.Ala86Asp (NM_001164673.2, NM_001301071.2); c.100+10011C>A (NM_001363811.2); short protein forms A86D.
Identifiers: ClinVar variation 3349617 (VCV003349617.1).

ClinVar aggregate classification (germline): Uncertain significance (0 of 4 stars; one submission).

Conditions:
DOK7-related disorder. Also called: DOK7-related condition.

Submission:

PreventionGenetics, part of Exact Sciences
Classification: Uncertain significance for DOK7-related condition. Last evaluated: 2024-03-05. Review status: no assertion criteria provided. Collection method: clinical testing. Allele origin: germline.
Comment: The DOK7 c.257C>A variant is predicted to result in the amino acid substitution p.Ala86Asp. To our knowledge, this variant has not been reported in the literature or in a large population database indicating this variant is rare. At this time, the clinical significance of this variant is uncertain due to the absence of conclusive functional and genetic evidence.